The following is an entry in ClinVar:

ClinVar aggregate classification (germline): Uncertain significance (0 of 4 stars; one submission).

Conditions:
Malignant tumor of breast. Also called: Malignant breast neoplasm; Cancer breast. Identifiers: MedGen C0006142, MONDO:0007254. Disease mechanism: loss of function.

Submission:

Department of Pathology and Laboratory Medicine, Sinai Health System
Classification: Uncertain significance for Malignant tumor of breast. Review status: no assertion criteria provided. Collection method: clinical testing. Allele origin: unknown. Affected: yes. Study: The Canadian Open Genetics Repository (COGR).
Comment: The BRCA2 p.Val370= variant was not identified in the literature nor was it identified in the dbSNP, ClinVar, COGR, Cosmic, LOVD 3.0, UMD-LSDB, BIC Database, ARUP Laboratories, or Zhejiang University databases. The variant was not identified in the following control databases: the Exome Aggregation Consortium (August 8th 2016) or the Genome Aggregation Database (Feb 27, 2017). The p.Val370= variant is not expected to have clinical significance because it does not result in a change of amino acid and is not located in a known consensus splice site. However, 1 of 4 in silico or computational prediction software programs (SpliceSiteFinder, MaxEntScan, NNSPLICE, GeneSplicer) predict a greater than 10% difference in splicing; this is not very predictive of pathogenicity. In summary, based on the above information, the clinical significance of this variant cannot be determined with certainty at this time. This variant is classified as a variant of uncertain significance.

NM_000059.4(BRCA2):c.1110A>G (p.Val370=)

Gene: BRCA2 (BRCA2 DNA repair associated; plus strand). Cytogenetic location: 13q13.1.
Variant type: single nucleotide variant.
Coding change: c.1110A>G on transcript NM_000059.4 (MANE Select); coding-DNA position 1110, A replaced by G.
Protein change: p.Val370=; no amino-acid change (valine 370 retained).
Molecular consequence: synonymous variant.
Genome position (GRCh38, 1-based): chr13:32,332,588, A>G. VCF-style: chr13-32332588-A-G. GRCh37 (hg19) VCF-style: chr13-32906725-A-G.
Identifiers: ClinVar variation 1050542 (VCV001050542.2), dbSNP rs1566222766, ClinGen allele CA483436692.
Genomic context (GRCh38, chr13:32,332,588, plus strand): 5'-AAAATACTCATTTGTATCTGAAGTGGAACCAAATGATACTGATCCATTAGATTCAAATGT[A>G]GCAAATCAGAAGCCCTTTGAGAGTGGAAGTGACAAAATCTCCAAGGAAGTTGTACCGTCT-3'
Protein context (NP_000050.3, residues 360-380): PNDTDPLDSN[Val370=]ANQKPFESGS